The following is an entry in ClinVar:

NM_004727.3(SLC24A1):c.2812G>A (p.Val938Ile)

Gene: SLC24A1 (solute carrier family 24 member 1; plus strand). Cytogenetic location: 15q22.31.
Variant type: single nucleotide variant.
Coding change: c.2812G>A on transcript NM_004727.3 (MANE Select); coding-DNA position 2812, G replaced by A.
Protein change: p.Val938Ile; replaces valine 938 with isoleucine.
Molecular consequence: missense variant. On other transcripts: intron variant (1).
Genome position (GRCh38, 1-based): chr15:65,651,688, G>A. VCF-style: chr15-65651688-G-A. GRCh37 (hg19) VCF-style: chr15-65944026-G-A.
Other names: c.793G>A, p.Val265Ile (NM_001254740.2); c.2758G>A, p.Val920Ile (NM_001301032.1, NM_001301033.2); c.2470G>A, p.Val824Ile (NM_001411142.1); c.2793+746G>A (NM_001301031.1); short protein forms V265I, V920I, V824I, V938I.
Identifiers: ClinVar variation 1996906 (VCV001996906.4), dbSNP rs1234867540, ClinGen allele CA392901260.
Genomic context (GRCh38, chr15:65,651,688, plus strand): 5'-CCTCTACAGCTTACTTCTTGTCCTTTTCAAACTTTCAAACAGGAGTCTAGGAAGTTTTTT[G>A]TTTTCACCTTCCTGGGATCTATCATGTGGATAGCCATGTTCTCATACCTCATGGTGTGGT-3'
Protein context (NP_004718.1, residues 928-948): VRRQESRKFF[Val938Ile]FTFLGSIMWI

ClinVar aggregate classification (germline): Uncertain significance (1 of 4 stars; one submission).

Allele frequency attached by ClinVar (database versions not stated): TOPMed below 0.00001.

Submission:

Labcorp Genetics (formerly Invitae), Labcorp
Classification: Uncertain significance. Last evaluated: 2024-08-12. Review status: criteria provided, single submitter. Criteria: Invitae Variant Classification Sherloc (09022015). Collection method: clinical testing. Allele origin: germline.
Comment: This sequence change replaces valine, which is neutral and non-polar, with isoleucine, which is neutral and non-polar, at codon 938 of the SLC24A1 protein (p.Val938Ile). This variant is not present in population databases (gnomAD no frequency). This variant has not been reported in the literature in individuals affected with SLC24A1-related conditions. ClinVar contains an entry for this variant (Variation ID: 1996906). An algorithm developed to predict the effect of missense changes on protein structure and function outputs the following: PolyPhen-2: "Benign". The isoleucine amino acid residue is found in multiple mammalian species, which suggests that this missense change does not adversely affect protein function. In summary, the available evidence is currently insufficient to determine the role of this variant in disease. Therefore, it has been classified as a Variant of Uncertain Significance.